The following is an entry in ClinVar:

ClinVar aggregate classification (germline): Uncertain significance (1 of 4 stars; one submission).

Conditions:
Gorlin syndrome. Also called: Nevoid Basal Cell Carcinoma Syndrome; Basal cell nevus syndrome. Identifiers: Orphanet 377, MedGen C0004779, MONDO:0007187.

Submission:

Labcorp Genetics (formerly Invitae), Labcorp
Classification: Uncertain significance for Gorlin syndrome. Last evaluated: 2024-02-23. Review status: criteria provided, single submitter. Criteria: Invitae Variant Classification Sherloc (09022015). Collection method: clinical testing. Allele origin: germline.
Comment: This sequence change replaces serine, which is neutral and polar, with arginine, which is basic and polar, at codon 54 of the PTCH1 protein (p.Ser54Arg). This variant is not present in population databases (gnomAD no frequency). This variant has not been reported in the literature in individuals affected with PTCH1-related conditions. Advanced modeling of protein sequence and biophysical properties (such as structural, functional, and spatial information, amino acid conservation, physicochemical variation, residue mobility, and thermodynamic stability) has been performed at Invitae for this missense variant, however the output from this modeling did not meet the statistical confidence thresholds required to predict the impact of this variant on PTCH1 protein function. In summary, the available evidence is currently insufficient to determine the role of this variant in disease. Therefore, it has been classified as a Variant of Uncertain Significance.

NM_000264.5(PTCH1):c.160A>C (p.Ser54Arg)

Genes: PTCH1 (patched 1; minus strand), LOC130002133 (ATAC-STARR-seq lymphoblastoid silent region 20071; plus strand). Cytogenetic location: 9q22.32.
Variant type: single nucleotide variant.
Coding change: c.160A>C on transcript NM_000264.5 (MANE Select); coding-DNA position 160, A replaced by C.
Protein change: p.Ser54Arg; replaces serine 54 with arginine.
Molecular consequence: missense variant. On other transcripts: non-coding transcript variant (1), intron variant (3).
Genome position (GRCh38, 1-based): chr9:95,508,202, T>G on the plus strand (A>C on the coding strand, the complement: PTCH1 is on the minus strand). VCF-style: chr9-95508202-T-G. GRCh37 (hg19) VCF-style: chr9-98270484-T-G.
Other names: c.160A>C, p.Ser54Arg (NM_001354918.2); c.199-1603A>C (NM_001083603.3); c.4-1603A>C (NM_001083602.3, NM_001354919.2); short protein forms S54R.
Identifiers: ClinVar variation 3635868 (VCV003635868.2).